The following is an entry in ClinVar:

ClinVar aggregate classification (germline): Uncertain significance (1 of 4 stars; one submission).

Allele frequency attached by ClinVar (database versions not stated): TOPMed below 0.00001; gnomAD 0.00001.
gnomAD v4.1: 7 of 1,613,836 alleles (0.00043%); highest among the groups gnomAD compares: Non-Finnish European, 0.00059%; no homozygotes.

Submission:

Labcorp Genetics (formerly Invitae), Labcorp
Classification: Uncertain significance. Last evaluated: 2023-02-28. Review status: criteria provided, single submitter. Criteria: Invitae Variant Classification Sherloc (09022015). Collection method: clinical testing. Allele origin: germline.
Comment: This variant is not present in population databases (gnomAD no frequency). In summary, the available evidence is currently insufficient to determine the role of this variant in disease. Therefore, it has been classified as a Variant of Uncertain Significance. Advanced modeling of protein sequence and biophysical properties (such as structural, functional, and spatial information, amino acid conservation, physicochemical variation, residue mobility, and thermodynamic stability) performed at Invitae indicates that this missense variant is not expected to disrupt LBR protein function. This variant has not been reported in the literature in individuals affected with LBR-related conditions. This sequence change replaces leucine, which is neutral and non-polar, with methionine, which is neutral and non-polar, at codon 28 of the LBR protein (p.Leu28Met).

NM_002296.4(LBR):c.82C>A (p.Leu28Met)

Gene: LBR (lamin B receptor; minus strand). Cytogenetic location: 1q42.12.
Variant type: single nucleotide variant.
Coding change: c.82C>A on transcript NM_002296.4 (MANE Select); coding-DNA position 82, C replaced by A.
Protein change: p.Leu28Met; replaces leucine 28 with methionine.
Molecular consequence: missense variant.
Genome position (GRCh38, 1-based): chr1:225,423,994, G>T on the plus strand (C>A on the coding strand, the complement: LBR is on the minus strand). VCF-style: chr1-225423994-G-T. GRCh37 (hg19) VCF-style: chr1-225611696-G-T.
Other names: c.82C>A, p.Leu28Met (NM_194442.3); short protein forms L28M.
Identifiers: ClinVar variation 2955419 (VCV002955419.3), dbSNP rs2096133915, ClinGen allele CA345003202.